The following is an entry in ClinVar:

NM_006268.5(DPF2):c.204C>T (p.Ser68=)

Gene: DPF2 (double PHD fingers 2; plus strand). Cytogenetic location: 11q13.1.
Variant type: single nucleotide variant.
Coding change: c.204C>T on transcript NM_006268.5 (MANE Select); coding-DNA position 204, C replaced by T.
Protein change: p.Ser68=; no amino-acid change (serine 68 retained).
Molecular consequence: synonymous variant.
Genome position (GRCh38, 1-based): chr11:65,340,976, C>T. VCF-style: chr11-65340976-C-T. GRCh37 (hg19) VCF-style: chr11-65108447-C-T.
Other names: c.204C>T, p.Ser68= (NM_001330308.2).
Identifiers: ClinVar variation 2498517 (VCV002498517.30), dbSNP rs778752988, ClinGen allele CA6095206.

ClinVar aggregate classification (germline): Likely benign. Review status: criteria provided, multiple submitters, no conflicts (2 of 4 stars). 2 submissions from 2 submitters: Likely benign (2). Last evaluated 2026-01-12.

gnomAD v4.1: 11 of 1,614,054 alleles (0.00068%); highest among the groups gnomAD compares: East Asian, 0.0022%; no homozygotes.

Submissions (2):

Labcorp Genetics (formerly Invitae), Labcorp
Classification: Likely benign. Last evaluated: 2026-01-12. Review status: criteria provided, single submitter. Criteria: Invitae Variant Classification Sherloc (09022015). Collection method: clinical testing. Allele origin: germline.

CeGaT Center for Human Genetics Tuebingen
Classification: Likely benign. Last evaluated: 2023-02-01. Review status: criteria provided, single submitter. Criteria: CeGaT Center For Human Genetics Tuebingen Variant Classification Criteria Version 2. Collection method: clinical testing. Allele origin: germline. Affected: yes. Observed: 1 variant allele.
Comment: DPF2: BP4, BP7